The following is an entry in ClinVar:

ClinVar aggregate classification (germline): Uncertain significance. Review status: criteria provided, multiple submitters, no conflicts (2 of 4 stars). 2 submissions from 2 submitters: Uncertain significance (2). Last evaluated 2026-07-04.

Conditions:
Tuberous sclerosis 1 (TSC1). Identifiers: Orphanet 805, MedGen C1854465, MONDO:0008612, OMIM 191100.
Hereditary cancer-predisposing syndrome. Also called: Neoplastic Syndromes, Hereditary; Tumor predisposition; Hereditary neoplastic syndrome; Hereditary Cancer Syndrome. Identifiers: Orphanet 140162, MedGen C0027672, MeSH D009386, MONDO:0015356.

Allele frequency attached by ClinVar (database versions not stated): TOPMed 0.00001.

Submissions (2):

Ambry Genetics
Classification: Uncertain significance for Hereditary cancer-predisposing syndrome. Last evaluated: 2026-07-04. Review status: criteria provided, single submitter. Criteria: Ambry Variant Classification Scheme 2023. Collection method: clinical testing. Allele origin: germline.
Comment: The p.V184A variant (also known as c.551T>C), located in coding exon 5 of the TSC1 gene, results from a T to C substitution at nucleotide position 551. The valine at codon 184 is replaced by alanine, an amino acid with similar properties. This amino acid position is conserved. In addition, this alteration is predicted to be deleterious by in silico analysis. Based on the available evidence, the clinical significance of this variant remains unclear.

Labcorp Genetics (formerly Invitae), Labcorp
Classification: Uncertain significance for Tuberous sclerosis 1. Last evaluated: 2023-04-14. Review status: criteria provided, single submitter. Criteria: Invitae Variant Classification Sherloc (09022015). Collection method: clinical testing. Allele origin: germline.
Comment: This variant has not been reported in the literature in individuals affected with TSC1-related conditions. In summary, the available evidence is currently insufficient to determine the role of this variant in disease. Therefore, it has been classified as a Variant of Uncertain Significance. Advanced modeling of protein sequence and biophysical properties (such as structural, functional, and spatial information, amino acid conservation, physicochemical variation, residue mobility, and thermodynamic stability) performed at Invitae indicates that this missense variant is not expected to disrupt TSC1 protein function. ClinVar contains an entry for this variant (Variation ID: 2201332). This variant is not present in population databases (gnomAD no frequency). This sequence change replaces valine, which is neutral and non-polar, with alanine, which is neutral and non-polar, at codon 184 of the TSC1 protein (p.Val184Ala).

NM_000368.5(TSC1):c.551T>C (p.Val184Ala)

Gene: TSC1 (TSC complex subunit 1; minus strand). Cytogenetic location: 9q34.13.
Variant type: single nucleotide variant.
Coding change: c.551T>C on transcript NM_000368.5 (MANE Select); coding-DNA position 551, T replaced by C.
Protein change: p.Val184Ala; replaces valine 184 with alanine.
Molecular consequence: missense variant.
Genome position (GRCh38, 1-based): chr9:132,921,931, A>G on the plus strand (T>C on the coding strand, the complement: TSC1 is on the minus strand). VCF-style: chr9-132921931-A-G. GRCh37 (hg19) VCF-style: chr9-135797318-A-G.
Other names: c.551T>C, p.Val184Ala (NM_001162426.2, NM_001406592.1, NM_001406593.1 and 16 more transcripts); c.398T>C, p.Val133Ala (NM_001162427.2, NM_001406610.1, NM_001406611.1 and 2 more transcripts); c.188T>C, p.Val63Ala (NM_001362177.2, NM_001406614.1, NM_001406615.1 and 10 more transcripts); c.-327T>C (NM_001406626.1, NM_001406627.1, NM_001406628.1); c.-469T>C (NM_001406629.1); c.-543T>C (NM_001406630.1); short protein forms V184A, V133A, V63A.
Identifiers: ClinVar variation 2201332 (VCV002201332.5), dbSNP rs1846587522, ClinGen allele CA375372763.